The following is an entry in ClinVar:

ClinVar aggregate classification (germline): Uncertain significance. Review status: criteria provided, multiple submitters, no conflicts (2 of 4 stars). 2 submissions from 2 submitters: Uncertain significance (2). Last evaluated 2025-04-28.

Conditions:
Inborn genetic diseases. Identifiers: MedGen C0950123, MeSH D030342.

Allele frequency attached by ClinVar (database versions not stated): gnomAD exomes below 0.00001; gnomAD 0.00001; TOPMed 0.00001; ESP Exome Variant Server 0.00008.
gnomAD v4.1: 7 of 1,613,850 alleles (0.00043%); highest among the groups gnomAD compares: East Asian, 0.0022%; no homozygotes.

Submissions (2):

Labcorp Genetics (formerly Invitae), Labcorp
Classification: Uncertain significance. Last evaluated: 2025-04-28. Review status: criteria provided, single submitter. Criteria: Invitae Variant Classification Sherloc (09022015). Collection method: clinical testing. Allele origin: germline.
Comment: This sequence change replaces arginine, which is basic and polar, with histidine, which is basic and polar, at codon 661 of the CNNM4 protein (p.Arg661His). This variant is present in population databases (rs368409976, gnomAD 0.0009%). This variant has not been reported in the literature in individuals affected with CNNM4-related conditions. ClinVar contains an entry for this variant (Variation ID: 969378). An algorithm developed to predict the effect of missense changes on protein structure and function (PolyPhen-2) suggests that this variant is likely to be tolerated. In summary, the available evidence is currently insufficient to determine the role of this variant in disease. Therefore, it has been classified as a Variant of Uncertain Significance.

Ambry Genetics
Classification: Uncertain significance for Inborn genetic diseases. Last evaluated: 2024-08-07. Review status: criteria provided, single submitter. Criteria: Ambry Variant Classification Scheme 2023. Collection method: clinical testing. Allele origin: germline.

NM_020184.4(CNNM4):c.1982G>A (p.Arg661His)

Gene: CNNM4 (cyclin and CBS domain divalent metal cation transport mediator 4; plus strand). Cytogenetic location: 2q11.2.
Variant type: single nucleotide variant.
Coding change: c.1982G>A on transcript NM_020184.4 (MANE Select); coding-DNA position 1982, G replaced by A.
Protein change: p.Arg661His; replaces arginine 661 with histidine.
Molecular consequence: missense variant.
Genome position (GRCh38, 1-based): chr2:96,808,594, G>A. VCF-style: chr2-96808594-G-A. GRCh37 (hg19) VCF-style: chr2-97474331-G-A.
Other names: short protein forms R661H.
Identifiers: ClinVar variation 969378 (VCV000969378.9), dbSNP rs368409976, ClinGen allele CA52460748.